The following is an entry in ClinVar:

NM_005787.6(ALG3):c.11G>T (p.Gly4Val)

Gene: ALG3 (ALG3 alpha-1,3- mannosyltransferase; minus strand). Cytogenetic location: 3q27.1.
Variant type: single nucleotide variant.
Coding change: c.11G>T on transcript NM_005787.6 (MANE Select); coding-DNA position 11, G replaced by T.
Protein change: p.Gly4Val; replaces glycine 4 with valine.
Molecular consequence: missense variant. On other transcripts: non-coding transcript variant (2), intron variant (1).
Genome position (GRCh38, 1-based): chr3:184,248,930, C>A on the plus strand (G>T on the coding strand, the complement: ALG3 is on the minus strand). VCF-style: chr3-184248930-C-A. GRCh37 (hg19) VCF-style: chr3-183966718-C-A.
Other names: c.-58G>T (NM_001006942.1); c.52+296G>T (NM_001006941.2); short protein forms G4V.
Identifiers: ClinVar variation 1951408 (VCV001951408.5), dbSNP rs1413710323, ClinGen allele CA355426237.

ClinVar aggregate classification (germline): Uncertain significance (1 of 4 stars; one submission).

Conditions:
ALG3-congenital disorder of glycosylation. Also called: CONGENITAL DISORDER OF GLYCOSYLATION, TYPE Id; CDG Id; ALG3-CDG; CARBOHYDRATE-DEFICIENT GLYCOPROTEIN SYNDROME, TYPE IV; CDGS, TYPE IV. Identifiers: Orphanet 79321, MedGen C1832736, MONDO:0010998, OMIM 601110.

Allele frequency attached by ClinVar (database versions not stated): gnomAD exomes below 0.00001.

Submission:

Labcorp Genetics (formerly Invitae), Labcorp
Classification: Uncertain significance for ALG3-congenital disorder of glycosylation. Last evaluated: 2024-03-04. Review status: criteria provided, single submitter. Criteria: Invitae Variant Classification Sherloc (09022015). Collection method: clinical testing. Allele origin: germline.
Comment: This sequence change replaces glycine, which is neutral and non-polar, with valine, which is neutral and non-polar, at codon 4 of the ALG3 protein (p.Gly4Val). The frequency data for this variant in the population databases is considered unreliable, as metrics indicate poor data quality at this position in the gnomAD database. This variant has not been reported in the literature in individuals affected with ALG3-related conditions. ClinVar contains an entry for this variant (Variation ID: 1951408). An algorithm developed to predict the effect of missense changes on protein structure and function (PolyPhen-2) suggests that this variant is likely to be tolerated. In summary, the available evidence is currently insufficient to determine the role of this variant in disease. Therefore, it has been classified as a Variant of Uncertain Significance.